The following is an entry in ClinVar:

NM_001358921.2(COQ2):c.840C>T (p.Ser280=)

Gene: COQ2 (coenzyme Q2, polyprenyltransferase; minus strand). Cytogenetic location: 4q21.23.
Variant type: single nucleotide variant.
Coding change: c.840C>T on transcript NM_001358921.2 (MANE Select); coding-DNA position 840, C replaced by T.
Protein change: p.Ser280=; no amino-acid change (serine 280 retained).
Molecular consequence: synonymous variant.
Genome position (GRCh38, 1-based): chr4:83,267,697, G>A on the plus strand (C>T on the coding strand, the complement: COQ2 is on the minus strand). VCF-style: chr4-83267697-G-A. GRCh37 (hg19) VCF-style: chr4-84188850-G-A.
Other names: p.S330S:AGC>AGT; c.990C>T, p.Ser330= (NM_015697.9).
Identifiers: ClinVar variation 128830 (VCV000128830.27), dbSNP rs1129617, ClinGen allele CA288766.
Genomic context (GRCh38, chr4:83,267,697, plus strand): 5'-AGTCTGTCCACTGTTCACACCCACTAGGCTCAGTGCCCCCAGCATTGCAACACTGAAGCC[G>A]CTGAGCCACGGCTTGGTATTTTCTCCGAACCGCAGAGCCGTTGACTTAAGACCAATCAAA-3'
Protein context (NP_001345850.1, residues 270-290): RFGENTKPWL[Ser280=]GFSVAMLGAL

ClinVar aggregate classification (germline): Benign. Review status: criteria provided, multiple submitters, no conflicts (2 of 4 stars). 12 submissions from 12 submitters: Benign (7). 5 of the submissions do not count toward it. Last evaluated 2026-02-04.

Conditions:
Coenzyme Q10 deficiency, primary, 1. Also called: UBIQUINONE DEFICIENCY 1; COENZYME Q DEFICIENCY 1; CoQ DEFICIENCY 1. Identifiers: Orphanet 255249, MedGen C3551954, MONDO:0011829, OMIM 607426.

Allele frequency attached by ClinVar (database versions not stated): 1000 Genomes Project 30x 0.20612; 1000 Genomes Project 0.21026; ESP Exome Variant Server 0.22084; gnomAD 0.22636 and 0.22868; TOPMed 0.23036; gnomAD exomes 0.25831 and 0.27340; ExAC 0.27879.
gnomAD v4.1: 417,982 of 1,554,922 alleles (27%); highest among the groups gnomAD compares: Middle Eastern, 30%; 57,871 homozygotes.

Submissions (12):

Labcorp Genetics (formerly Invitae), Labcorp
Classification: Benign. Last evaluated: 2026-02-04. Review status: criteria provided, single submitter. Criteria: Invitae Variant Classification Sherloc (09022015). Collection method: clinical testing. Allele origin: germline.

Blueprint Genetics
Classification: Benign. Last evaluated: 2024-11-27. Review status: criteria provided, single submitter. Criteria: ACMG Guidelines, 2015. Collection method: clinical testing. Allele origin: germline.

Unidad de Genómica Garrahan, Hospital de Pediatría Garrahan
Classification: Benign. Last evaluated: 2024-07-15. Review status: criteria provided, single submitter. Criteria: ACMG Guidelines, 2015. Collection method: clinical testing. Allele origin: germline. Affected: no. Observed: 48 variant alleles.
Comment: This variant is classified as Benign based on local population frequency. This variant was detected in 52% of patients studied in a panel designed for Epileptic and Developmental Encephalopathy and Progressive Myoclonus Epilepsy. Number of patients: 48. Only high quality variants are reported.

Genome-Nilou Lab
Classification: Benign for Coenzyme Q10 deficiency, primary, 1. Last evaluated: 2021-07-30. Review status: criteria provided, single submitter. Criteria: ACMG Guidelines, 2015. Collection method: clinical testing. Allele origin: germline. Affected: no.

GeneDx
Classification: Benign. Last evaluated: 2011-07-01. Review status: criteria provided, single submitter. Criteria: GeneDx Variant Classification (06012015). Collection method: clinical testing. Allele origin: germline. Affected: yes.
Comment: This variant is considered likely benign or benign based on one or more of the following criteria: it is a conservative change, it occurs at a poorly conserved position in the protein, it is predicted to be benign by multiple in silico algorithms, and/or has population frequency not consistent with disease.

Breakthrough Genomics
Classification: Benign. Review status: criteria provided, single submitter. Criteria: ACMG Guidelines, 2015. Collection method: not provided. Allele origin: germline. Inheritance: Autosomal recessive inheritance. Affected: yes.

PreventionGenetics, part of Exact Sciences
Classification: Benign. Review status: criteria provided, single submitter. Criteria: ACMG Guidelines, 2015. Collection method: clinical testing. Allele origin: germline.

Mayo Clinic Laboratories, Mayo Clinic
Classification: Benign. Last evaluated: 2016-02-11. Review status: no assertion criteria provided. Collection method: clinical testing. Allele origin: unknown. Not counted in ClinVar's aggregate classification.

Clinical Genetics, Academic Medical Center
Classification: Benign. Review status: no assertion criteria provided. Collection method: clinical testing. Allele origin: germline. Affected: yes. Study: VKGL Data-share Consensus. Not counted in ClinVar's aggregate classification.

Diagnostic Laboratory, Department of Genetics, University Medical Center Groningen
Classification: Benign for Coenzyme Q10 deficiency, primary, 1. Review status: no assertion criteria provided. Collection method: clinical testing. Allele origin: germline. Affected: yes. Study: VKGL Data-share Consensus. Not counted in ClinVar's aggregate classification.

Genetic Services Laboratory, University of Chicago
Classification: Likely benign for AllHighlyPenetrant. Review status: no assertion criteria provided. Collection method: clinical testing. Allele origin: germline. Inheritance: Autosomal recessive inheritance. Not counted in ClinVar's aggregate classification.
Comment: Likely benign based on allele frequency in 1000 Genomes Project or ESP global frequency and its presence in a patient with a rare or unrelated disease phenotype. NOT Sanger confirmed.

Genome Diagnostics Laboratory, Amsterdam University Medical Center
Classification: Benign. Review status: no assertion criteria provided. Collection method: clinical testing. Allele origin: germline. Affected: yes. Study: VKGL Data-share Consensus. Not counted in ClinVar's aggregate classification.